The following is an entry in ClinVar:

NM_005619.5(RTN2):c.745G>A (p.Glu249Lys)

Genes: OPA3-RTN2 (OPA3-RTN2 readthrough; minus strand), RTN2 (reticulon 2; minus strand). Cytogenetic location: 19q13.32.
Variant type: single nucleotide variant.
Coding change: c.745G>A on transcript NM_005619.5 (MANE Select); coding-DNA position 745, G replaced by A.
Protein change: p.Glu249Lys; replaces glutamic acid 249 with lysine.
Molecular consequence: missense variant.
Genome position (GRCh38, 1-based): chr19:45,494,235, C>T on the plus strand (G>A on the coding strand, the complement: RTN2 is on the minus strand). VCF-style: chr19-45494235-C-T. GRCh37 (hg19) VCF-style: chr19-45997493-C-T.
Other names: c.745G>A, p.Glu249Lys (NM_206900.3); c.745G>A (NM_005619.3); short protein forms E249K.
Identifiers: ClinVar variation 964495 (VCV000964495.12), dbSNP rs761286207, ClinGen allele CA9516190.

ClinVar aggregate classification (germline): Uncertain significance. Review status: criteria provided, multiple submitters, no conflicts (2 of 4 stars). 3 submissions from 3 submitters: Uncertain significance (3). Last evaluated 2025-11-06.

Conditions:
Inborn genetic diseases. Identifiers: MedGen C0950123, MeSH D030342.
Spastic paraplegia. Identifiers: MedGen C0037772, HP:0001258.

Allele frequency attached by ClinVar (database versions not stated): TOPMed 0.00005.

Submissions (3):

Labcorp Genetics (formerly Invitae), Labcorp
Classification: Uncertain significance for Spastic paraplegia. Last evaluated: 2025-11-06. Review status: criteria provided, single submitter. Criteria: Invitae Variant Classification Sherloc (09022015). Collection method: clinical testing. Allele origin: germline.
Comment: This sequence change replaces glutamic acid, which is acidic and polar, with lysine, which is basic and polar, at codon 249 of the RTN2 protein (p.Glu249Lys). This variant is present in population databases (rs761286207, gnomAD 0.006%). This variant has not been reported in the literature in individuals affected with RTN2-related conditions. ClinVar contains an entry for this variant (Variation ID: 964495). An algorithm developed to predict the effect of missense changes on protein structure and function (PolyPhen-2) suggests that this variant is likely to be disruptive. In summary, the available evidence is currently insufficient to determine the role of this variant in disease. Therefore, it has been classified as a Variant of Uncertain Significance.

Ambry Genetics
Classification: Uncertain significance for Inborn genetic diseases. Last evaluated: 2024-01-17. Review status: criteria provided, single submitter. Criteria: Ambry Variant Classification Scheme 2023. Collection method: clinical testing. Allele origin: germline.

Athena Diagnostics
Classification: Uncertain significance. Last evaluated: 2023-09-02. Review status: criteria provided, single submitter. Criteria: Athena Diagnostics Criteria. Collection method: clinical testing. Allele origin: unknown.
Comment: Available data are insufficient to determine the clinical significance of the variant at this time. The frequency of this variant in the general population is higher than would generally be expected for pathogenic variants in this gene. Computational tools disagree on the variant's effect on normal protein function.